The following is an entry in ClinVar:

ClinVar aggregate classification (germline): Likely benign (1 of 4 stars; one submission).

Allele frequency attached by ClinVar (database versions not stated): ExAC 0.00001; gnomAD 0.00006; TOPMed 0.00006; gnomAD exomes 0.00008.
gnomAD v4.1: 125 of 1,581,606 alleles (0.0079%); highest among the groups gnomAD compares: Non-Finnish European, 0.01%; no homozygotes.

Submission:

CeGaT Center for Human Genetics Tuebingen
Classification: Likely benign. Last evaluated: 2022-08-01. Review status: criteria provided, single submitter. Criteria: CeGaT Center For Human Genetics Tuebingen Variant Classification Criteria Version 2. Collection method: clinical testing. Allele origin: germline. Affected: yes. Observed: 1 variant allele.
Comment: ZYX: BP4, BP7

NM_003461.5(ZYX):c.369G>A (p.Glu123=)

Gene: ZYX (zyxin; plus strand). Cytogenetic location: 7q34.
Variant type: single nucleotide variant.
Coding change: c.369G>A on transcript NM_003461.5 (MANE Select); coding-DNA position 369, G replaced by A.
Protein change: p.Glu123=; no amino-acid change (glutamic acid 123 retained).
Molecular consequence: synonymous variant.
Genome position (GRCh38, 1-based): chr7:143,382,408, G>A. VCF-style: chr7-143382408-G-A. GRCh37 (hg19) VCF-style: chr7-143079501-G-A.
Other names: c.369G>A, p.Glu123= (NM_001010972.2, NM_001362783.2).
Identifiers: ClinVar variation 2658118 (VCV002658118.24), dbSNP rs765299206, ClinGen allele CA4538303.
Genomic context (GRCh38, chr7:143,382,408, plus strand): 5'-ATTTCCCCCTGCGCCTCTGGAGGAGGAGATCTTCCCTTCCCCGCCGCCTCCTCCGGAGGA[G>A]GAGGGAGGGCCTGAGGCCCCCATACCGCCCCCACCACAGGTACGGAGGCCTGGGAGGGGC-3'
Protein context (NP_003452.1, residues 113-133): IFPSPPPPPE[Glu123=]EGGPEAPIPP